The following is an entry in ClinVar:

ClinVar aggregate classification (germline): Uncertain significance (1 of 4 stars; one submission).

Conditions:
Familial temporal lobe epilepsy 7. Identifiers: Orphanet 101046, MedGen C4225327, MONDO:0014639, OMIM 616436.
Norman-Roberts syndrome (LIS2). Also called: Lissencephaly 2 (Norman-Roberts type). Identifiers: Orphanet 89844, MedGen C0796089, MONDO:0009760, OMIM 257320.

gnomAD v4.1: 1 of 1,614,160 alleles (0.000062%); no homozygotes.

Submission:

Labcorp Genetics (formerly Invitae), Labcorp
Classification: Uncertain significance for Familial temporal lobe epilepsy 7; Norman-Roberts syndrome. Last evaluated: 2024-12-15. Review status: criteria provided, single submitter. Criteria: Invitae Variant Classification Sherloc (09022015). Collection method: clinical testing. Allele origin: germline.
Comment: This sequence change replaces glutamine, which is neutral and polar, with histidine, which is basic and polar, at codon 3218 of the RELN protein (p.Gln3218His). This variant is not present in population databases (gnomAD no frequency). This variant has not been reported in the literature in individuals affected with RELN-related conditions. Invitae Evidence Modeling of protein sequence and biophysical properties (such as structural, functional, and spatial information, amino acid conservation, physicochemical variation, residue mobility, and thermodynamic stability) indicates that this missense variant is not expected to disrupt RELN protein function with a negative predictive value of 80%. In summary, the available evidence is currently insufficient to determine the role of this variant in disease. Therefore, it has been classified as a Variant of Uncertain Significance.

NM_005045.4(RELN):c.9654A>C (p.Gln3218His)

Genes: SLC26A5-AS1 (SLC26A5 antisense RNA 1; plus strand), RELN (reelin; minus strand), LOC126860130 (BRD4-independent group 4 enhancer GRCh37_chr7:103130126-103131325; plus strand). Cytogenetic location: 7q22.1.
Variant type: single nucleotide variant.
Coding change: c.9654A>C on transcript NM_005045.4 (MANE Select); coding-DNA position 9654, A replaced by C.
Protein change: p.Gln3218His; replaces glutamine 3218 with histidine.
Molecular consequence: missense variant.
Genome position (GRCh38, 1-based): chr7:103,489,851, T>G on the plus strand (A>C on the coding strand, the complement: RELN is on the minus strand). VCF-style: chr7-103489851-T-G. GRCh37 (hg19) VCF-style: chr7-103130298-T-G.
Other names: c.9654A>C, p.Gln3218His (NM_173054.3); short protein forms Q3218H.
Identifiers: ClinVar variation 3763565 (VCV003763565.2).